The following is an entry in ClinVar:

ClinVar aggregate classification (germline): Uncertain significance. Review status: criteria provided, multiple submitters, no conflicts (2 of 4 stars). 3 submissions from 3 submitters: Uncertain significance (3). Last evaluated 2025-10-13.

Conditions:
Hereditary cancer-predisposing syndrome. Also called: Hereditary neoplastic syndrome; Hereditary Cancer Syndrome; Neoplastic Syndromes, Hereditary; Tumor predisposition. Identifiers: Orphanet 140162, MedGen C0027672, MeSH D009386, MONDO:0015356.
Retinoblastoma (RB1). Also called: RETINOBLASTOMA, SOMATIC. Identifiers: Orphanet 790, MedGen C0035335, MeSH D012175, MONDO:0008380, OMIM 180200, HP:0009919. Disease mechanism: loss of function. Inheritance: Both sporadic and heritable forms are tested..

gnomAD v4.1: 2 of 1,611,624 alleles (0.00012%); highest among the groups gnomAD compares: Non-Finnish European, 0.00017%; no homozygotes.

Submissions (3):

Color Diagnostics, LLC DBA Color Health
Classification: Uncertain significance for Retinoblastoma. Last evaluated: 2025-10-13. Review status: criteria provided, single submitter. Criteria: ACMG Guidelines, 2015. Collection method: clinical testing. Allele origin: germline.
Comment: This missense variant replaces glutamic acid with lysine at codon 533 of the RB1 protein. Computational prediction suggests that this variant may have deleterious impact on protein structure and function. To our knowledge, functional studies have not been reported for this variant. This variant has not been reported in individuals affected with RB1-related disorders in the literature. This variant has been identified in 2/1459458 chromosomes in the general population by the Genome Aggregation Database (gnomAD). The available evidence is insufficient to determine the role of this variant in disease conclusively. Therefore, this variant is classified as a Variant of Uncertain Significance.

Ambry Genetics
Classification: Uncertain significance for Hereditary cancer-predisposing syndrome. Last evaluated: 2025-06-24. Review status: criteria provided, single submitter. Criteria: Ambry Variant Classification Scheme 2023. Collection method: clinical testing. Allele origin: germline.
Comment: The p.E533K variant (also known as c.1597G>A), located in coding exon 17 of the RB1 gene, results from a G to A substitution at nucleotide position 1597. The glutamic acid at codon 533 is replaced by lysine, an amino acid with similar properties. This amino acid position is highly conserved in available vertebrate species. In addition, this alteration is predicted to be deleterious by in silico analysis. Based on the available evidence, the clinical significance of this variant remains unclear.

Labcorp Genetics (formerly Invitae), Labcorp
Classification: Uncertain significance for Retinoblastoma. Last evaluated: 2023-09-03. Review status: criteria provided, single submitter. Criteria: Invitae Variant Classification Sherloc (09022015). Collection method: clinical testing. Allele origin: germline.
Comment: In summary, the available evidence is currently insufficient to determine the role of this variant in disease. Therefore, it has been classified as a Variant of Uncertain Significance. Advanced modeling of protein sequence and biophysical properties (such as structural, functional, and spatial information, amino acid conservation, physicochemical variation, residue mobility, and thermodynamic stability) performed at Invitae indicates that this missense variant is expected to disrupt RB1 protein function. ClinVar contains an entry for this variant (Variation ID: 1405136). This variant has not been reported in the literature in individuals affected with RB1-related conditions. This variant is not present in population databases (gnomAD no frequency). This sequence change replaces glutamic acid, which is acidic and polar, with lysine, which is basic and polar, at codon 533 of the RB1 protein (p.Glu533Lys).

NM_000321.3(RB1):c.1597G>A (p.Glu533Lys)

Gene: RB1 (RB transcriptional corepressor 1; plus strand). Cytogenetic location: 13q14.2.
Variant type: single nucleotide variant.
Coding change: c.1597G>A on transcript NM_000321.3 (MANE Select); coding-DNA position 1597, G replaced by A.
Protein change: p.Glu533Lys; replaces glutamic acid 533 with lysine.
Molecular consequence: missense variant.
Genome position (GRCh38, 1-based): chr13:48,381,345, G>A. VCF-style: chr13-48381345-G-A. GRCh37 (hg19) VCF-style: chr13-48955481-G-A.
Other names: c.1597G>A (NM_000321.2); short protein forms E533K.
Identifiers: ClinVar variation 1405136 (VCV001405136.10), dbSNP rs1237070816, ClinGen allele CA388163690.
Genomic context (GRCh38, chr13:48,381,345, plus strand): 5'-TCTTTCCCATGGATTCTGAATGTGCTTAATTTAAAAGCCTTTGATTTTTACAAAGTGATC[G>A]AAAGTTTTATCAAAGCAGAAGGCAACTTGACAAGAGAAATGATAAAACATTTAGAACGAT-3'
Protein context (NP_000312.2, residues 523-543): LKAFDFYKVI[Glu533Lys]SFIKAEGNLT